The following is an entry in ClinVar:

NM_000057.4(BLM):c.2044G>A (p.Gly682Ser)

Gene: BLM (BLM RecQ like helicase; plus strand). Cytogenetic location: 15q26.1.
Variant type: single nucleotide variant.
Coding change: c.2044G>A on transcript NM_000057.4 (MANE Select); coding-DNA position 2044, G replaced by A.
Protein change: p.Gly682Ser; replaces glycine 682 with serine.
Molecular consequence: missense variant.
Genome position (GRCh38, 1-based): chr15:90,763,127, G>A. VCF-style: chr15-90763127-G-A. GRCh37 (hg19) VCF-style: chr15-91306357-G-A.
Other names: c.2044G>A, p.Gly682Ser (NM_001287246.2, NM_001287247.2); c.919G>A, p.Gly307Ser (NM_001287248.2); short protein forms G307S, G682S.
Identifiers: ClinVar variation 3991685 (VCV003991685.1).

ClinVar aggregate classification (germline): Uncertain significance (1 of 4 stars; one submission).

Conditions:
Hereditary cancer-predisposing syndrome. Also called: Tumor predisposition; Hereditary neoplastic syndrome; Neoplastic Syndromes, Hereditary; Hereditary Cancer Syndrome. Identifiers: Orphanet 140162, MedGen C0027672, MeSH D009386, MONDO:0015356.

Submission:

Ambry Genetics
Classification: Uncertain significance for Hereditary cancer-predisposing syndrome. Last evaluated: 2025-05-31. Review status: criteria provided, single submitter. Criteria: Ambry Variant Classification Scheme 2023. Collection method: clinical testing. Allele origin: germline.
Comment: The p.G682S variant (also known as c.2044G>A), located in coding exon 7 of the BLM gene, results from a G to A substitution at nucleotide position 2044. The glycine at codon 682 is replaced by serine, an amino acid with similar properties. This amino acid position is conserved. In addition, the in silico prediction for this alteration is inconclusive. Based on the available evidence, the clinical significance of this variant remains unclear.